The following is an entry in ClinVar:

NM_000089.4(COL1A2):c.3006A>G (p.Gln1002=)

Gene: COL1A2 (collagen type I alpha 2 chain; plus strand). Cytogenetic location: 7q21.3.
Variant type: single nucleotide variant.
Coding change: c.3006A>G on transcript NM_000089.4 (MANE Select); coding-DNA position 3006, A replaced by G.
Protein change: p.Gln1002=; no amino-acid change (glutamine 1002 retained).
Molecular consequence: synonymous variant.
Genome position (GRCh38, 1-based): chr7:94,426,431, A>G. VCF-style: chr7-94426431-A-G. GRCh37 (hg19) VCF-style: chr7-94055743-A-G.
Identifiers: ClinVar variation 2925171 (VCV002925171.5), dbSNP rs1792278907, ClinGen allele CA456490315.

ClinVar aggregate classification (germline): Likely benign. Review status: criteria provided, multiple submitters, no conflicts (2 of 4 stars). 2 submissions from 2 submitters: Likely benign (2). Last evaluated 2026-04-01.

Conditions:
Osteogenesis imperfecta type I (OI1). Also called: OI, TYPE I; OSTEOGENESIS IMPERFECTA TARDA; OSTEOGENESIS IMPERFECTA WITH BLUE SCLERAE; Osteogenesis imperfecta type 1; Classic Non-deforming Osteogenesis Imperfecta with Blue Sclerae; Lobstein's Disease. Identifiers: Orphanet 216796, Orphanet 666, MedGen C0023931, MONDO:0008146, OMIM 166200. Disease mechanism: loss of function.
Ehlers-Danlos syndrome, classic type, 1 (EDSCL1). Also called: EHLERS-DANLOS SYNDROME, GRAVIS TYPE; EHLERS-DANLOS SYNDROME, SEVERE CLASSIC TYPE; EDS I; Ehlers-Danlos Syndrome, Classic Type, COL5A1-Related; Ehlers-Danlos syndrome, type 1. Identifiers: MedGen C0268335, MONDO:0019567, OMIM 130000.

Allele frequency attached by ClinVar (database versions not stated): gnomAD exomes below 0.00001; TOPMed 0.00001.
gnomAD v4.1: 1 of 1,596,678 alleles (0.000063%); highest among the groups gnomAD compares: Non-Finnish European, 0.000085%; no homozygotes.

Submissions (2):

CeGaT Center for Human Genetics Tuebingen
Classification: Likely benign. Last evaluated: 2026-04-01. Review status: criteria provided, single submitter. Criteria: CeGaT Center For Human Genetics Tuebingen Variant Classification Criteria Version 2. Collection method: clinical testing. Allele origin: germline. Affected: yes. Observed: 1 variant allele.
Comment: COL1A2: BP4

Labcorp Genetics (formerly Invitae), Labcorp
Classification: Likely benign for Osteogenesis imperfecta type I; Ehlers-Danlos syndrome, classic type, 1. Last evaluated: 2023-08-18. Review status: criteria provided, single submitter. Criteria: Invitae Variant Classification Sherloc (09022015). Collection method: clinical testing. Allele origin: germline.